The following is an entry in ClinVar:

ClinVar aggregate classification (germline): Likely pathogenic (1 of 4 stars; one submission).

Allele frequency attached by ClinVar (database versions not stated): gnomAD 0.00002; TOPMed 0.00001; gnomAD exomes 0.00001.
gnomAD v4.1: 9 of 1,613,260 alleles (0.00056%); highest among the groups gnomAD compares: African/African-American, 0.0013%; no homozygotes.

Submission:

Labcorp Genetics (formerly Invitae), Labcorp
Classification: Likely pathogenic. Last evaluated: 2025-12-14. Review status: criteria provided, single submitter. Criteria: Invitae Variant Classification Sherloc (09022015). Collection method: clinical testing. Allele origin: germline.
Comment: This sequence change affects an acceptor splice site in intron 23 of the NBAS gene. It is expected to disrupt RNA splicing. Variants that disrupt the donor or acceptor splice site typically lead to a loss of protein function (PMID: 16199547), and loss-of-function variants in NBAS are known to be pathogenic (PMID: 26073778, 26541327, 27789416, 28031453). This variant is present in population databases (no rsID available, gnomAD 0.004%). This variant has not been reported in the literature in individuals affected with NBAS-related conditions. ClinVar contains an entry for this variant (Variation ID: 1955543). Algorithms developed to predict the effect of sequence changes on RNA splicing suggest that this variant may disrupt the consensus splice site. In summary, the currently available evidence indicates that the variant is pathogenic, but additional data are needed to prove that conclusively. Therefore, this variant has been classified as Likely Pathogenic.

Literature cited by the submitters: PubMed 16199547; PubMed 26073778; PubMed 26541327; PubMed 27789416; PubMed 28031453.

NM_015909.4(NBAS):c.2578-1G>T

Gene: NBAS (NBAS subunit of NRZ tethering complex; minus strand). Cytogenetic location: 2p24.3.
Variant type: single nucleotide variant.
Coding change: c.2578-1G>T on transcript NM_015909.4 (MANE Select); the canonical splice acceptor site of the intron before coding-DNA position 2578, G replaced by T.
Molecular consequence: splice acceptor variant.
Genome position (GRCh38, 1-based): chr2:15,417,713, C>A on the plus strand (G>T on the coding strand, the complement: NBAS is on the minus strand). VCF-style: chr2-15417713-C-A. GRCh37 (hg19) VCF-style: chr2-15557837-C-A.
Identifiers: ClinVar variation 1955543 (VCV001955543.5), dbSNP rs1238713514, ClinGen allele CA345887219.